The following is an entry in ClinVar:

ClinVar aggregate classification (germline): Conflicting classifications of pathogenicity. Review status: criteria provided, conflicting classifications (1 of 4 stars). 5 submissions from 5 submitters: Uncertain significance (4); Likely benign (1). Last evaluated 2025-07-30.

Conditions:
Hereditary cancer-predisposing syndrome. Also called: Tumor predisposition; Hereditary Cancer Syndrome; Hereditary neoplastic syndrome; Neoplastic Syndromes, Hereditary. Identifiers: Orphanet 140162, MedGen C0027672, MeSH D009386, MONDO:0015356.
Classic or attenuated familial adenomatous polyposis. Identifiers: MedGen CN372698, MONDO:0021057.
Familial adenomatous polyposis 1 (FAP1). Also called: FAMILIAL ADENOMATOUS POLYPOSIS 1, ATTENUATED; POLYPOSIS, ADENOMATOUS INTESTINAL. Identifiers: MedGen C2713442, MONDO:0021056, OMIM 175100. Disease mechanism: loss of function.

gnomAD v4.1: 2 of 1,614,158 alleles (0.00012%); highest among the groups gnomAD compares: Non-Finnish European, 0.00017%; no homozygotes.

Submissions (5):

Labcorp Genetics (formerly Invitae), Labcorp
Classification: Uncertain significance for Familial adenomatous polyposis 1. Last evaluated: 2025-07-30. Review status: criteria provided, single submitter. Criteria: Invitae Variant Classification Sherloc (09022015). Collection method: clinical testing. Allele origin: germline.
Comment: This sequence change replaces lysine, which is basic and polar, with glutamic acid, which is acidic and polar, at codon 1518 of the APC protein (p.Lys1518Glu). This variant is not present in population databases (gnomAD no frequency). This variant has not been reported in the literature in individuals affected with APC-related conditions. ClinVar contains an entry for this variant (Variation ID: 537441). Invitae Evidence Modeling of protein sequence and biophysical properties (such as structural, functional, and spatial information, amino acid conservation, physicochemical variation, residue mobility, and thermodynamic stability) indicates that this missense variant is not expected to disrupt APC protein function with a negative predictive value of 95%. In summary, the available evidence is currently insufficient to determine the role of this variant in disease. Therefore, it has been classified as a Variant of Uncertain Significance.

Center for Genomic Medicine, Rigshospitalet, Copenhagen University Hospital
Classification: Uncertain significance. Last evaluated: 2025-03-04. Review status: criteria provided, single submitter. Criteria: ACMG Guidelines, 2015. Collection method: clinical testing. Allele origin: germline.

Ambry Genetics
Classification: Likely benign for Hereditary cancer-predisposing syndrome. Last evaluated: 2025-02-21. Review status: criteria provided, single submitter. Criteria: Ambry Variant Classification Scheme 2023. Collection method: clinical testing. Allele origin: germline.

Color Diagnostics, LLC DBA Color Health
Classification: Uncertain significance for Hereditary cancer-predisposing syndrome. Last evaluated: 2024-11-26. Review status: criteria provided, single submitter. Criteria: ACMG Guidelines, 2015. Collection method: clinical testing. Allele origin: germline.
Comment: This missense variant replaces lysine with glutamic acid at codon 1518 of the APC protein. Computational prediction is inconclusive regarding the impact of this variant on protein structure and function (internally defined REVEL score threshold 0.5 < inconclusive < 0.7, PMID: 27666373). To our knowledge, functional studies have not been reported for this variant. This variant has not been reported in individuals affected with APC-related disorders in the literature. This variant has not been identified in the general population by the Genome Aggregation Database (gnomAD). The available evidence is insufficient to determine the role of this variant in disease conclusively. Therefore, this variant is classified as a Variant of Uncertain Significance.

All of Us Research Program, National Institutes of Health
Classification: Uncertain significance for Classic or attenuated familial adenomatous polyposis. Last evaluated: 2023-05-03. Review status: criteria provided, single submitter. Criteria: ACMG Guidelines, 2015. Collection method: clinical testing. Allele origin: germline. Inheritance: Autosomal dominant inheritance. Observed: 1 variant allele, 1 heterozygote.
Comment: This missense variant replaces lysine with glutamic acid at codon 1518 of the APC protein. Computational prediction is inconclusive regarding the impact of this variant on protein structure and function (internally defined REVEL score threshold 0.5 < inconclusive < 0.7, PMID: 27666373). Splice site prediction tools suggest that this variant may not impact RNA splicing. To our knowledge, functional studies have not been performed for this variant. This variant has not been reported in individuals affected with hereditary cancer in the literature. This variant has not been identified in the general population by the Genome Aggregation Database (gnomAD). The available evidence is insufficient to determine the role of this variant in disease conclusively. Therefore, this variant is classified as a Variant of Uncertain Significance.

This study involves interpretation of variants in research participants for the purpose of population health screening. Participant phenotype was not available at the time of variant classification. Additional details can be found in publication PMID: 35346344, PMCID: PMC8962531

Literature cited by the submitters: PubMed 25186627 (cited by Ambry Genetics).

NM_000038.6(APC):c.4552A>G (p.Lys1518Glu)

Gene: APC (APC regulator of Wnt signaling pathway; plus strand). Cytogenetic location: 5q22.2.
Variant type: single nucleotide variant.
Coding change: c.4552A>G on transcript NM_000038.6 (MANE Select); coding-DNA position 4552, A replaced by G.
Protein change: p.Lys1518Glu; replaces lysine 1518 with glutamic acid.
Molecular consequence: missense variant.
Genome position (GRCh38, 1-based): chr5:112,840,146, A>G. VCF-style: chr5-112840146-A-G. GRCh37 (hg19) VCF-style: chr5-112175843-A-G.
Other names: c.4552A>G, p.Lys1518Glu (NM_001127510.3, NM_001354895.2); c.4498A>G, p.Lys1500Glu (NM_001127511.3); c.4606A>G, p.Lys1536Glu (NM_001354896.2); c.4582A>G, p.Lys1528Glu (NM_001354897.2); c.4477A>G, p.Lys1493Glu (NM_001354898.2); c.4468A>G, p.Lys1490Glu (NM_001354899.2); c.4429A>G, p.Lys1477Glu (NM_001354900.2); c.4375A>G, p.Lys1459Glu (NM_001354901.2); and 5 more; short protein forms K1500E, K1518E, K1235E, K1427E, K1490E, K1358E, K1417E, K1528E.
Identifiers: ClinVar variation 537441 (VCV000537441.22), dbSNP rs1554085958, ClinGen allele CA16031294.